The following is an entry in ClinVar:

NM_005120.3(MED12):c.2118C>T (p.Val706=)

Gene: MED12 (mediator complex subunit 12; plus strand). Cytogenetic location: Xq13.1.
Variant type: single nucleotide variant.
Coding change: c.2118C>T on transcript NM_005120.3 (MANE Select); coding-DNA position 2118, C replaced by T.
Protein change: p.Val706=; no amino-acid change (valine 706 retained).
Molecular consequence: synonymous variant.
Genome position (GRCh38, 1-based): chrX:71,125,038, C>T. VCF-style: chrX-71125038-C-T. GRCh37 (hg19) VCF-style: chrX-70344888-C-T.
Identifiers: ClinVar variation 519912 (VCV000519912.33), dbSNP rs1346228842, ClinGen allele CA516818857.
Genomic context (GRCh38, chrX:71,125,038, plus strand): 5'-GTTCTCCCCTACTATGCCCTGTGAGGGGAAGGGCAGTCCATCCCCTGAGAAGCCAGATGT[C>T]GAGAAGGAGGTGAAGCCCCCACCCAAGGAGAAGATTGAAGGGACCCTTGGGGTTCTTTAC-3'
Protein context (NP_005111.2, residues 696-716): KGSPSPEKPD[Val706=]EKEVKPPPKE

ClinVar aggregate classification (germline): Likely benign. Review status: criteria provided, multiple submitters, no conflicts (2 of 4 stars). 3 submissions from 3 submitters: Likely benign (3). Last evaluated 2025-03-18.

Conditions:
FG syndrome (FGS). Identifiers: MedGen C0220769, MONDO:0002010.
Familial thoracic aortic aneurysm and aortic dissection (TAAD). Also called: Thoracic aortic aneurysms and dissections. Identifiers: Orphanet 91387, MedGen C4707243, MONDO:0019625.

Allele frequency attached by ClinVar (database versions not stated): gnomAD 0.00002; TOPMed 0.00002; gnomAD exomes 0.00004.
gnomAD v4.1: 40 of 1,208,359 alleles (0.0033%); highest among the groups gnomAD compares: Non-Finnish European, 0.0044%; no homozygotes.

Submissions (3):

Labcorp Genetics (formerly Invitae), Labcorp
Classification: Likely benign for FG syndrome. Last evaluated: 2025-03-18. Review status: criteria provided, single submitter. Criteria: Invitae Variant Classification Sherloc (09022015). Collection method: clinical testing. Allele origin: germline.

CeGaT Center for Human Genetics Tuebingen
Classification: Likely benign. Last evaluated: 2023-02-01. Review status: criteria provided, single submitter. Criteria: CeGaT Center For Human Genetics Tuebingen Variant Classification Criteria Version 2. Collection method: clinical testing. Allele origin: germline. Affected: yes. Observed: 1 variant allele.
Comment: MED12: BP4, BP7

Ambry Genetics
Classification: Likely benign for Familial thoracic aortic aneurysm and aortic dissection. Last evaluated: 2017-11-02. Review status: criteria provided, single submitter. Criteria: Ambry Variant Classification Scheme 2023. Collection method: clinical testing. Allele origin: germline.